The following is an entry in ClinVar:

ClinVar aggregate classification (germline): Likely benign. Review status: reviewed by expert panel (3 of 4 stars). 3 submissions from 3 submitters: Likely benign (1). 2 of the submissions do not count toward it. Last evaluated 2022-08-23.

Conditions:
Inborn genetic diseases. Identifiers: MedGen C0950123, MeSH D030342.
Hereditary thrombocytopenia and hematologic cancer predisposition syndrome. Identifiers: Orphanet 71290, MedGen CN281654, MONDO:0011071.
Hereditary thrombocytopenia and hematological cancer predisposition syndrome associated with RUNX1. Also called: Familial Platelet Disorder with Propensity to Acute Myelogenous Leukemia; Familial thrombocytopenia with propensity to acute myelogenous leukemia; PLATELET DISORDER, ASPIRIN-LIKE; RUNX1 Familial Platelet Disorder with Associated Myeloid Malignancies. Identifiers: Orphanet 71290, MedGen C1832388, MeSH C563324, MONDO:0100083, OMIM 601399.

Allele frequency attached by ClinVar (database versions not stated): gnomAD exomes below 0.00001.
gnomAD v4.1: 3 of 1,598,492 alleles (0.00019%); highest among the groups gnomAD compares: Non-Finnish European, 0.00025%; no homozygotes.

Submissions (3):

ClinGen Myeloid Malignancy Variant Curation Expert Panel
Classification: Likely benign for Hereditary thrombocytopenia and hematologic cancer predisposition syndrome. Last evaluated: 2022-08-23. Review status: reviewed by expert panel. Criteria: ClinGen MyeloMalig ACMG Specifications v2. Collection method: curation. Allele origin: germline. Inheritance: Autosomal dominant inheritance.
Comment: NM_001754.5(RUNX1):c.114C>T (p.Arg38=) is a synonymous variant. Evolutionary conservation prediction algorithms predict the site as not being conserved (PhyloP score 1.53< 2.0 or the variant is the reference nucleotide in one primate and three mammal species) (BP7). This synonymous variant has a SpliceAI score <= 0.20 (0.02). The variant is absent from gnomAD with mean of 20X coverage (gnomAD v2.1 or v3.1.2) (PM2_supporting). In summary, this variant meets the criteria to be classified as likely benign. ACMG/AMP criteria applied, as specified by the Myeloid Malignancy Variant Curation Expert Panel for RUNX1: PM2_supporting, BP7, BP4

Ambry Genetics
Classification: Likely benign for Inborn genetic diseases. Last evaluated: 2025-01-13. Review status: criteria provided, single submitter. Criteria: Ambry Variant Classification Scheme 2023. Collection method: clinical testing. Allele origin: germline. Not counted in ClinVar's aggregate classification.

Labcorp Genetics (formerly Invitae), Labcorp
Classification: Likely benign for Hereditary thrombocytopenia and hematological cancer predisposition syndrome associated with RUNX1. Last evaluated: 2023-07-29. Review status: criteria provided, single submitter. Criteria: Invitae Variant Classification Sherloc (09022015). Collection method: clinical testing. Allele origin: germline. Not counted in ClinVar's aggregate classification.

NM_001754.5(RUNX1):c.114C>T (p.Arg38=)

Gene: RUNX1 (RUNX family transcription factor 1; minus strand). Cytogenetic location: 21q22.12.
Variant type: single nucleotide variant.
Coding change: c.114C>T on transcript NM_001754.5 (MANE Select); coding-DNA position 114, C replaced by T.
Protein change: p.Arg38=; no amino-acid change (arginine 38 retained).
Molecular consequence: synonymous variant.
Genome position (GRCh38, 1-based): chr21:34,887,080, G>A on the plus strand (C>T on the coding strand, the complement: RUNX1 is on the minus strand). VCF-style: chr21-34887080-G-A. GRCh37 (hg19) VCF-style: chr21-36259377-G-A.
Other names: NM_001754.5(RUNX1):c.114C>T; p.Arg38=; c.33C>T, p.Arg11= (NM_001001890.3, NM_001122607.2); c.114C>T (NM_001754.4).
Identifiers: ClinVar variation 1114762 (VCV001114762.11), dbSNP rs2058005751, ClinGen allele CA512318994.
Genomic context (GRCh38, chr21:34,887,080, plus strand): 5'-CAGCGGCAACGCCTCGCTCATCTTGCCTGGGCTCAGCGCGGTGGAAGGCGGCGTGAAGCG[G>A]CGGCTCGTGCTGGCATCTACGGGGATACGCATCACAACAAGCCGATTGAGTTAGGACCCT-3'
Protein context (NP_001745.2, residues 28-48): SRDVHDASTS[Arg38=]RFTPPSTALS